The following is an entry in ClinVar:

ClinVar aggregate classification (germline): Conflicting classifications of pathogenicity. Review status: criteria provided, conflicting classifications (1 of 4 stars). 2 submissions from 2 submitters: Likely pathogenic (1); Uncertain significance (1). Last evaluated 2024-10-24.

Submissions (2):

GeneDx
Classification: Likely pathogenic. Last evaluated: 2024-10-24. Review status: criteria provided, single submitter. Criteria: GeneDx Variant Classification Process June 2021. Collection method: clinical testing. Allele origin: germline. Affected: yes.
Comment: Not observed at significant frequency in large population cohorts (gnomAD); In silico analysis supports that this missense variant has a deleterious effect on protein structure/function; Has not been previously published as pathogenic or benign to our knowledge; This variant is associated with the following publications: (PMID: 30311386, 23717403)

Labcorp Genetics (formerly Invitae), Labcorp
Classification: Uncertain significance. Last evaluated: 2022-08-10. Review status: criteria provided, single submitter. Criteria: Invitae Variant Classification Sherloc (09022015). Collection method: clinical testing. Allele origin: germline.
Comment: This variant has not been reported in the literature in individuals affected with KCNQ4-related conditions. This variant is not present in population databases (gnomAD no frequency). This sequence change replaces threonine, which is neutral and polar, with lysine, which is basic and polar, at codon 280 of the KCNQ4 protein (p.Thr280Lys). ClinVar contains an entry for this variant (Variation ID: 1201725). In summary, the available evidence is currently insufficient to determine the role of this variant in disease. Therefore, it has been classified as a Variant of Uncertain Significance. Advanced modeling of protein sequence and biophysical properties (such as structural, functional, and spatial information, amino acid conservation, physicochemical variation, residue mobility, and thermodynamic stability) performed at Invitae indicates that this missense variant is expected to disrupt KCNQ4 protein function.

NM_004700.4(KCNQ4):c.839C>A (p.Thr280Lys)

Gene: KCNQ4 (potassium voltage-gated channel subfamily Q member 4; plus strand). Cytogenetic location: 1p34.2.
Variant type: single nucleotide variant.
Coding change: c.839C>A on transcript NM_004700.4 (MANE Select); coding-DNA position 839, C replaced by A.
Protein change: p.Thr280Lys; replaces threonine 280 with lysine.
Molecular consequence: missense variant.
Genome position (GRCh38, 1-based): chr1:40,819,879, C>A. VCF-style: chr1-40819879-C-A. GRCh37 (hg19) VCF-style: chr1-41285551-C-A.
Other names: c.839C>A, p.Thr280Lys (NM_172163.3); short protein forms T280K.
Identifiers: ClinVar variation 1201725 (VCV001201725.16), dbSNP rs2148319965, ClinGen allele CA339895802.